The following is an entry in ClinVar:

NM_022124.6(CDH23):c.8413G>C (p.Ala2805Pro)

Gene: CDH23 (cadherin related 23; plus strand). Cytogenetic location: 10q22.1.
Variant type: single nucleotide variant.
Coding change: c.8413G>C on transcript NM_022124.6 (MANE Select); coding-DNA position 8413, G replaced by C.
Protein change: p.Ala2805Pro; replaces alanine 2805 with proline.
Molecular consequence: missense variant.
Genome position (GRCh38, 1-based): chr10:71,807,620, G>C. VCF-style: chr10-71807620-G-C. GRCh37 (hg19) VCF-style: chr10-73567377-G-C.
Other names: c.1693G>C, p.Ala565Pro (NM_001171933.1, NM_001171934.1); short protein forms A565P, A2805P.
Identifiers: ClinVar variation 2038562 (VCV002038562.1), dbSNP rs1841772448, ClinGen allele CA377131493.

ClinVar aggregate classification (germline): Uncertain significance (1 of 4 stars; one submission).

Allele frequency attached by ClinVar (database versions not stated): gnomAD 0.00001.
gnomAD v4.1: 1 of 1,613,858 alleles (0.000062%); highest among the groups gnomAD compares: African/African-American, 0.0013%; no homozygotes.

Submission:

Labcorp Genetics (formerly Invitae), Labcorp
Classification: Uncertain significance. Last evaluated: 2021-12-09. Review status: criteria provided, single submitter. Criteria: Invitae Variant Classification Sherloc (09022015). Collection method: clinical testing. Allele origin: germline.
Comment: This sequence change replaces alanine, which is neutral and non-polar, with proline, which is neutral and non-polar, at codon 2805 of the CDH23 protein (p.Ala2805Pro). This variant is not present in population databases (gnomAD no frequency). This variant has not been reported in the literature in individuals affected with CDH23-related conditions. Algorithms developed to predict the effect of missense changes on protein structure and function are either unavailable or do not agree on the potential impact of this missense change (SIFT: "Deleterious"; PolyPhen-2: "Not Available"; Align-GVGD: "Class C0"). In summary, the available evidence is currently insufficient to determine the role of this variant in disease. Therefore, it has been classified as a Variant of Uncertain Significance.